The following is an entry in ClinVar:

NM_001365276.2(TNXB):c.8378G>T (p.Gly2793Val)

Gene: TNXB (tenascin XB; minus strand). Cytogenetic location: 6p21.33.
Variant type: single nucleotide variant.
Coding change: c.8378G>T on transcript NM_001365276.2 (MANE Select); coding-DNA position 8378, G replaced by T.
Protein change: p.Gly2793Val; replaces glycine 2793 with valine.
Molecular consequence: missense variant.
Genome position (GRCh38, 1-based): chr6:32,055,940, C>A on the plus strand (G>T on the coding strand, the complement: TNXB is on the minus strand). VCF-style: chr6-32055940-C-A. GRCh37 (hg19) VCF-style: chr6-32023717-C-A.
Other names: c.9119G>T, p.Gly3040Val (NM_001428335.1); c.8378G>T, p.Gly2793Val (NM_019105.8); short protein forms G3040V, G2793V.
Identifiers: ClinVar variation 4615193 (VCV004615193.1).

ClinVar aggregate classification (germline): Uncertain significance (1 of 4 stars; one submission).

Conditions:
Cardiovascular phenotype. Identifiers: MedGen CN230736.

gnomAD v4.1: 2 of 1,613,498 alleles (0.00012%); highest among the groups gnomAD compares: Non-Finnish European, 0.00017%; no homozygotes.

Submission:

Ambry Genetics
Classification: Uncertain significance for Cardiovascular phenotype. Last evaluated: 2025-12-07. Review status: criteria provided, single submitter. Criteria: Ambry Variant Classification Scheme 2023. Collection method: clinical testing. Allele origin: germline.
Comment: The p.G2793V variant (also known as c.8378G>T), located in coding exon 23 of the TNXB gene, results from a G to T substitution at nucleotide position 8378. The glycine at codon 2793 is replaced by valine, an amino acid with dissimilar properties. This amino acid position is conserved. In addition, this alteration is predicted to be tolerated by in silico analysis. Based on the available evidence, the clinical significance of this variant remains unclear.